The following is an entry in ClinVar:

ClinVar aggregate classification (germline): Uncertain significance. Review status: criteria provided, multiple submitters, no conflicts (2 of 4 stars). 3 submissions from 3 submitters: Uncertain significance (3). Last evaluated 2026-02-11.

Conditions:
Gorlin syndrome. Also called: Nevoid Basal Cell Carcinoma Syndrome; Basal cell nevus syndrome. Identifiers: Orphanet 377, MedGen C0004779, MONDO:0007187.
Basal cell carcinoma, susceptibility to, 1. Also called: BCC1. Identifiers: MedGen C2751544, MONDO:0011556, OMIM 605462.
Hereditary cancer-predisposing syndrome. Also called: Hereditary Cancer Syndrome; Tumor predisposition; Neoplastic Syndromes, Hereditary; Hereditary neoplastic syndrome. Identifiers: Orphanet 140162, MedGen C0027672, MeSH D009386, MONDO:0015356.

Allele frequency attached by ClinVar (database versions not stated): TOPMed 0.00002.
gnomAD v4.1: 1 of 1,613,870 alleles (0.000062%); highest among the groups gnomAD compares: Admixed American, 0.0017%; no homozygotes.

Submissions (3):

Ambry Genetics
Classification: Uncertain significance for Hereditary cancer-predisposing syndrome. Last evaluated: 2026-02-11. Review status: criteria provided, single submitter. Criteria: Ambry Variant Classification Scheme 2023. Collection method: clinical testing. Allele origin: germline.
Comment: The p.L323M variant (also known as c.967T>A), located in coding exon 7 of the PTCH1 gene, results from a T to A substitution at nucleotide position 967. The leucine at codon 323 is replaced by methionine, an amino acid with highly similar properties. This amino acid position is highly conserved in available vertebrate species. In addition, the in silico prediction for this alteration is inconclusive. Based on the available evidence, the clinical significance of this variant remains unclear.

Baylor Genetics
Classification: Uncertain significance for Basal cell carcinoma, susceptibility to, 1. Last evaluated: 2024-01-25. Review status: criteria provided, single submitter. Criteria: ACMG Guidelines, 2015. Collection method: clinical testing. Allele origin: unknown.

Labcorp Genetics (formerly Invitae), Labcorp
Classification: Uncertain significance for Gorlin syndrome. Last evaluated: 2022-07-21. Review status: criteria provided, single submitter. Criteria: Invitae Variant Classification Sherloc (09022015). Collection method: clinical testing. Allele origin: germline.
Comment: In summary, the available evidence is currently insufficient to determine the role of this variant in disease. Therefore, it has been classified as a Variant of Uncertain Significance. Algorithms developed to predict the effect of missense changes on protein structure and function are either unavailable or do not agree on the potential impact of this missense change (SIFT: "Tolerated"; PolyPhen-2: "Possibly Damaging"; Align-GVGD: "Class C0"). ClinVar contains an entry for this variant (Variation ID: 861506). This variant has not been reported in the literature in individuals affected with PTCH1-related conditions. This variant is not present in population databases (gnomAD no frequency). This sequence change replaces leucine, which is neutral and non-polar, with methionine, which is neutral and non-polar, at codon 323 of the PTCH1 protein (p.Leu323Met).

NM_000264.5(PTCH1):c.967T>A (p.Leu323Met)

Gene: PTCH1 (patched 1; minus strand). Cytogenetic location: 9q22.32.
Variant type: single nucleotide variant.
Coding change: c.967T>A on transcript NM_000264.5 (MANE Select); coding-DNA position 967, T replaced by A.
Protein change: p.Leu323Met; replaces leucine 323 with methionine.
Molecular consequence: missense variant. On other transcripts: non-coding transcript variant (1).
Genome position (GRCh38, 1-based): chr9:95,480,069, A>T on the plus strand (T>A on the coding strand, the complement: PTCH1 is on the minus strand). VCF-style: chr9-95480069-A-T. GRCh37 (hg19) VCF-style: chr9-98242351-A-T.
Other names: c.769T>A, p.Leu257Met (NM_001083602.3); c.964T>A, p.Leu322Met (NM_001083603.3); c.514T>A, p.Leu172Met (NM_001083604.3, NM_001083605.3, NM_001083606.3 and 1 more transcripts); c.967T>A, p.Leu323Met (NM_001354918.2); short protein forms L257M, L323M, L172M, L322M.
Identifiers: ClinVar variation 861506 (VCV000861506.12), dbSNP rs1358555059, ClinGen allele CA374119781.